The following is an entry in ClinVar:

ClinVar aggregate classification (germline): Uncertain significance (1 of 4 stars; one submission).

gnomAD v4.1: 5 of 1,612,558 alleles (0.00031%); highest among the groups gnomAD compares: Non-Finnish European, 0.00042%; no homozygotes.

Submission:

GeneDx
Classification: Uncertain significance. Last evaluated: 2024-07-01. Review status: criteria provided, single submitter. Criteria: GeneDx Variant Classification Process June 2021. Collection method: clinical testing. Allele origin: germline. Affected: yes.
Comment: Not observed at significant frequency in large population cohorts (gnomAD); In silico analysis supports that this missense variant has a deleterious effect on protein structure/function; Has not been previously published as pathogenic or benign to our knowledge

NM_021098.3(CACNA1H):c.775C>T (p.Arg259Cys)

Gene: CACNA1H (calcium voltage-gated channel subunit alpha1 H; plus strand). Cytogenetic location: 16p13.3.
Variant type: single nucleotide variant.
Coding change: c.775C>T on transcript NM_021098.3 (MANE Select); coding-DNA position 775, C replaced by T.
Protein change: p.Arg259Cys; replaces arginine 259 with cysteine.
Molecular consequence: missense variant.
Genome position (GRCh38, 1-based): chr16:1,198,746, C>T. VCF-style: chr16-1198746-C-T. GRCh37 (hg19) VCF-style: chr16-1248746-C-T.
Other names: c.775C>T, p.Arg259Cys (NM_001005407.2); short protein forms R259C.
Identifiers: ClinVar variation 3393904 (VCV003393904.1).